The following is an entry in ClinVar:

ClinVar aggregate classification (germline): Uncertain significance (1 of 4 stars; one submission).

Conditions:
CLPB-related disorder. Also called: CLPB-related condition.

gnomAD v4.1: 14 of 1,613,812 alleles (0.00087%); highest among the groups gnomAD compares: South Asian, 0.0011%; no homozygotes.

Submission:

PreventionGenetics, part of Exact Sciences
Classification: Uncertain significance for CLPB-related condition. Last evaluated: 2026-06-06. Review status: criteria provided, single submitter. Criteria: ACMG Guidelines, 2015. Collection method: clinical testing. Allele origin: germline.
Comment: The CLPB c.730G>A variant is predicted to result in the amino acid substitution p.Ala244Thr. To our knowledge, this variant has not been reported in the literature. This variant is reported in 0.0033% of alleles in individuals of South Asian descent in gnomAD. At this time, the clinical significance of this variant is uncertain due to the absence of conclusive functional and genetic evidence.

NM_030813.6(CLPB):c.730G>A (p.Ala244Thr)

Gene: CLPB (ClpB family mitochondrial disaggregase; minus strand). Cytogenetic location: 11q13.4.
Variant type: single nucleotide variant.
Coding change: c.730G>A on transcript NM_030813.6 (MANE Plus Clinical); coding-DNA position 730, G replaced by A.
Protein change: p.Ala244Thr; replaces alanine 244 with threonine.
Molecular consequence: missense variant. On other transcripts: intron variant (2).
Genome position (GRCh38, 1-based): chr11:72,372,931, C>T on the plus strand (G>A on the coding strand, the complement: CLPB is on the minus strand). VCF-style: chr11-72372931-C-T. GRCh37 (hg19) VCF-style: chr11-72083975-C-T.
Other names: c.595G>A, p.Ala199Thr (NM_001258394.3); c.559+7350G>A (NM_001258393.3); c.646+7350G>A (NM_001258392.3); short protein forms A199T, A244T.
Identifiers: ClinVar variation 4982488 (VCV004982488.1).
Genomic context (GRCh38, chr11:72,372,931, plus strand): 5'-TCCTTGGCATGTCCTGGGGAGGGGGAGAAATATTATACAGAGCAGTTCCATTACCGCCAG[C>T]GGGGAGTCCTAGCCATCTCCTGAACTCCAGGGCACTTGTCCACTGGTTTGTGATGTGCCG-3'
Protein context (NP_110440.1, residues 234-254): LEFRRWLGLP[Ala244Thr]GVLITREDDF